The following is an entry in ClinVar:

ClinVar aggregate classification (germline): Uncertain significance. Review status: criteria provided, multiple submitters, no conflicts (2 of 4 stars). 4 submissions from 4 submitters: Uncertain significance (4). Last evaluated 2025-05-07.

Conditions:
Colorectal cancer. Also called: Malignant Colorectal Neoplasm; Colorectal cancer, somatic. Identifiers: MedGen C0346629, MONDO:0005575, OMIM 114500.
Hereditary cancer-predisposing syndrome. Also called: Neoplastic Syndromes, Hereditary; Hereditary Cancer Syndrome; Tumor predisposition; Hereditary neoplastic syndrome. Identifiers: Orphanet 140162, MedGen C0027672, MeSH D009386, MONDO:0015356.
Oligodontia-cancer predisposition syndrome. Also called: TOOTH AGENESIS-COLORECTAL CANCER SYNDROME. Identifiers: Orphanet 300576, MedGen C1837750, MONDO:0012075, OMIM 608615. Disease mechanism: loss of function.

Allele frequency attached by ClinVar (database versions not stated): gnomAD 0.00001; TOPMed 0.00001.
gnomAD v4.1: 1 of 1,613,352 alleles (0.000062%); highest among the groups gnomAD compares: African/African-American, 0.0013%; no homozygotes.

Submissions (4):

Ambry Genetics
Classification: Uncertain significance for Hereditary cancer-predisposing syndrome. Last evaluated: 2025-05-07. Review status: criteria provided, single submitter. Criteria: Ambry Variant Classification Scheme 2023. Collection method: clinical testing. Allele origin: germline.
Comment: The p.Q607H variant (also known as c.1821G>C), located in coding exon 6 of the AXIN2 gene, results from a G to C substitution at nucleotide position 1821. The glutamine at codon 607 is replaced by histidine, an amino acid with highly similar properties. This amino acid position is conserved. In addition, this alteration is predicted to be tolerated by in silico analysis. Since supporting evidence is limited at this time, the clinical significance of this alteration remains unclear.

GeneDx
Classification: Uncertain significance. Last evaluated: 2025-03-28. Review status: criteria provided, single submitter. Criteria: GeneDx Variant Classification Process June 2021. Collection method: clinical testing. Allele origin: germline. Affected: yes.
Comment: Not observed at significant frequency in large population cohorts (gnomAD); In silico analysis indicates that this missense variant does not alter protein structure/function; Has not been previously published as pathogenic or benign to our knowledge

Labcorp Genetics (formerly Invitae), Labcorp
Classification: Uncertain significance for Oligodontia-cancer predisposition syndrome. Last evaluated: 2024-08-21. Review status: criteria provided, single submitter. Criteria: Invitae Variant Classification Sherloc (09022015). Collection method: clinical testing. Allele origin: germline.
Comment: This sequence change replaces glutamine, which is neutral and polar, with histidine, which is basic and polar, at codon 607 of the AXIN2 protein (p.Gln607His). This variant is not present in population databases (gnomAD no frequency). This variant has not been reported in the literature in individuals affected with AXIN2-related conditions. ClinVar contains an entry for this variant (Variation ID: 1037840). An algorithm developed to predict the effect of missense changes on protein structure and function (PolyPhen-2) suggests that this variant is likely to be disruptive. In summary, the available evidence is currently insufficient to determine the role of this variant in disease. Therefore, it has been classified as a Variant of Uncertain Significance.

Baylor Genetics
Classification: Uncertain significance for Colorectal cancer. Last evaluated: 2023-12-28. Review status: criteria provided, single submitter. Criteria: ACMG Guidelines, 2015. Collection method: clinical testing. Allele origin: unknown.

NM_004655.4(AXIN2):c.1821G>C (p.Gln607His)

Gene: AXIN2 (axin 2; minus strand). Cytogenetic location: 17q24.1.
Variant type: single nucleotide variant.
Coding change: c.1821G>C on transcript NM_004655.4 (MANE Select); coding-DNA position 1821, G replaced by C.
Protein change: p.Gln607His; replaces glutamine 607 with histidine.
Molecular consequence: missense variant. On other transcripts: intron variant (1).
Genome position (GRCh38, 1-based): chr17:65,536,955, C>G on the plus strand (G>C on the coding strand, the complement: AXIN2 is on the minus strand). VCF-style: chr17-65536955-C-G. GRCh37 (hg19) VCF-style: chr17-63533073-C-G.
Other names: c.1712+369G>C (NM_001363813.1); c.1821G>C (NM_004655.3); short protein forms Q607H.
Identifiers: ClinVar variation 1037840 (VCV001037840.11), dbSNP rs1242108165, ClinGen allele CA400676560.
Genomic context (GRCh38, chr17:65,536,955, plus strand): 5'-CTCACTCTCCAGCATCCACTGCCAGACATCCTGCGACCTGTCTCCTTCCTCCCGGGGAAG[C>G]TGCAGGGCCCCAGCTCCGCCGGGGGCCCCTCCTTCCCTGGCGGGCAGGGCCAGGCCCGGC-3'
Protein context (NP_004646.3, residues 597-617): GGAPGGAGAL[Gln607His]LPREEGDRSQ